The following is an entry in ClinVar:

NM_001572.5(IRF7):c.697G>A (p.Gly233Arg)

Gene: IRF7 (interferon regulatory factor 7; minus strand). Cytogenetic location: 11p15.5.
Variant type: single nucleotide variant.
Coding change: c.697G>A on transcript NM_001572.5 (MANE Select); coding-DNA position 697, G replaced by A.
Protein change: p.Gly233Arg; replaces glycine 233 with arginine.
Molecular consequence: missense variant. On other transcripts: intron variant (1).
Genome position (GRCh38, 1-based): chr11:614,020, C>T on the plus strand (G>A on the coding strand, the complement: IRF7 is on the minus strand). VCF-style: chr11-614020-C-T. GRCh37 (hg19) VCF-style: chr11-614020-C-T.
Other names: c.736G>A, p.Gly246Arg (NM_004031.4); c.679+154G>A (NM_004029.4); short protein forms G233R, G246R.
Identifiers: ClinVar variation 2013318 (VCV002013318.4), dbSNP rs2493918535, ClinGen allele CA378980351.

ClinVar aggregate classification (germline): Uncertain significance (1 of 4 stars; one submission).

Conditions:
Immunodeficiency 39 (IMD39). Identifiers: Orphanet 574918, MedGen C4225358, MONDO:0014597, OMIM 616345.

Submission:

Labcorp Genetics (formerly Invitae), Labcorp
Classification: Uncertain significance for Immunodeficiency 39. Last evaluated: 2022-07-02. Review status: criteria provided, single submitter. Criteria: Invitae Variant Classification Sherloc (09022015). Collection method: clinical testing. Allele origin: germline.
Comment: In summary, the available evidence is currently insufficient to determine the role of this variant in disease. Therefore, it has been classified as a Variant of Uncertain Significance. Algorithms developed to predict the effect of missense changes on protein structure and function output the following: SIFT: "Tolerated"; PolyPhen-2: "Benign"; Align-GVGD: "Class C0". The arginine amino acid residue is found in multiple mammalian species, which suggests that this missense change does not adversely affect protein function. This variant has not been reported in the literature in individuals affected with IRF7-related conditions. This variant is not present in population databases (gnomAD no frequency). This sequence change replaces glycine, which is neutral and non-polar, with arginine, which is basic and polar, at codon 246 of the IRF7 protein (p.Gly246Arg).